The following is an entry in ClinVar:

ClinVar aggregate classification (germline): Uncertain significance (1 of 4 stars; one submission).

Allele frequency attached by ClinVar (database versions not stated): gnomAD exomes below 0.00001.
gnomAD v4.1: 1 of 1,613,292 alleles (0.000062%); highest among the groups gnomAD compares: Non-Finnish European, 0.000085%; no homozygotes.

Submission:

Labcorp Genetics (formerly Invitae), Labcorp
Classification: Uncertain significance. Last evaluated: 2022-07-28. Review status: criteria provided, single submitter. Criteria: Invitae Variant Classification Sherloc (09022015). Collection method: clinical testing. Allele origin: germline.
Comment: This sequence change replaces arginine, which is basic and polar, with lysine, which is basic and polar, at codon 52 of the DGKE protein (p.Arg52Lys). This variant is present in population databases (no rsID available, gnomAD 0.0009%). This variant has not been reported in the literature in individuals affected with DGKE-related conditions. Algorithms developed to predict the effect of missense changes on protein structure and function output the following: SIFT: "Tolerated"; PolyPhen-2: "Benign"; Align-GVGD: "Class C0". The lysine amino acid residue is found in multiple mammalian species, which suggests that this missense change does not adversely affect protein function. In summary, the available evidence is currently insufficient to determine the role of this variant in disease. Therefore, it has been classified as a Variant of Uncertain Significance.

NM_003647.3(DGKE):c.155G>A (p.Arg52Lys)

Gene: DGKE (diacylglycerol kinase epsilon; plus strand). Cytogenetic location: 17q22.
Variant type: single nucleotide variant.
Coding change: c.155G>A on transcript NM_003647.3 (MANE Select); coding-DNA position 155, G replaced by A.
Protein change: p.Arg52Lys; replaces arginine 52 with lysine.
Molecular consequence: missense variant.
Genome position (GRCh38, 1-based): chr17:56,834,950, G>A. VCF-style: chr17-56834950-G-A. GRCh37 (hg19) VCF-style: chr17-54912311-G-A.
Other names: short protein forms R52K.
Identifiers: ClinVar variation 2116234 (VCV002116234.4), dbSNP rs1350263987, ClinGen allele CA399921252.
Genomic context (GRCh38, chr17:56,834,950, plus strand): 5'-TGCCGGTGTTCATCACCTTCTGGTGTAGCCTCCAGCGGTCGCGCCGGCAGCTGCACCGCA[G>A]GGACATCTTCCGCAAGAGCAAGCACGGGTGGCGCGACACGGACCTGTTCAGCCAGCCCAC-3'
Protein context (NP_003638.1, residues 42-62): LQRSRRQLHR[Arg52Lys]DIFRKSKHGW